The following is an entry in ClinVar:

ClinVar aggregate classification (germline): Uncertain significance. Review status: criteria provided, multiple submitters, no conflicts (2 of 4 stars). 2 submissions from 2 submitters: Uncertain significance (2). Last evaluated 2025-11-10.

Conditions:
Inborn genetic diseases. Identifiers: MedGen C0950123, MeSH D030342.
Werner syndrome (WRN). Identifiers: Orphanet 902, MedGen C0043119, MONDO:0010196, OMIM 277700.

Allele frequency attached by ClinVar (database versions not stated): ExAC 0.00001; gnomAD exomes 0.00001 and 0.00002.

Submissions (2):

Labcorp Genetics (formerly Invitae), Labcorp
Classification: Uncertain significance for Werner syndrome. Last evaluated: 2025-11-10. Review status: criteria provided, single submitter. Criteria: Invitae Variant Classification Sherloc (09022015). Collection method: clinical testing. Allele origin: germline.
Comment: This sequence change replaces valine, which is neutral and non-polar, with isoleucine, which is neutral and non-polar, at codon 342 of the WRN protein (p.Val342Ile). This variant is present in population databases (rs764559021, gnomAD 0.009%). This variant has not been reported in the literature in individuals affected with WRN-related conditions. ClinVar contains an entry for this variant (Variation ID: 574762). An algorithm developed to predict the effect of missense changes on protein structure and function outputs the following: PolyPhen-2: "Benign". The isoleucine amino acid residue is found in multiple mammalian species, which suggests that this missense change does not adversely affect protein function. In summary, the available evidence is currently insufficient to determine the role of this variant in disease. Therefore, it has been classified as a Variant of Uncertain Significance.

Ambry Genetics
Classification: Uncertain significance for Inborn genetic diseases. Last evaluated: 2021-09-21. Review status: criteria provided, single submitter. Criteria: Ambry Variant Classification Scheme 2023. Collection method: clinical testing. Allele origin: germline.

NM_000553.6(WRN):c.1024G>A (p.Val342Ile)

Gene: WRN (WRN RecQ like helicase; plus strand). Cytogenetic location: 8p12.
Variant type: single nucleotide variant.
Coding change: c.1024G>A on transcript NM_000553.6 (MANE Select); coding-DNA position 1024, G replaced by A.
Protein change: p.Val342Ile; replaces valine 342 with isoleucine.
Molecular consequence: missense variant.
Genome position (GRCh38, 1-based): chr8:31,081,051, G>A. VCF-style: chr8-31081051-G-A. GRCh37 (hg19) VCF-style: chr8-30938567-G-A.
Other names: short protein forms V342I.
Identifiers: ClinVar variation 574762 (VCV000574762.7), dbSNP rs764559021, ClinGen allele CA4704240.